The following is an entry in ClinVar:

NM_003803.4(MYOM1):c.4511G>A (p.Arg1504Lys)

Gene: MYOM1 (myomesin 1; minus strand). Cytogenetic location: 18p11.31.
Variant type: single nucleotide variant.
Coding change: c.4511G>A on transcript NM_003803.4 (MANE Select); coding-DNA position 4511, G replaced by A.
Protein change: p.Arg1504Lys; replaces arginine 1504 with lysine.
Molecular consequence: missense variant.
Genome position (GRCh38, 1-based): chr18:3,079,316, C>T on the plus strand (G>A on the coding strand, the complement: MYOM1 is on the minus strand). VCF-style: chr18-3079316-C-T. GRCh37 (hg19) VCF-style: chr18-3079314-C-T.
Other names: c.4223G>A, p.Arg1408Lys (NM_019856.2); short protein forms R1408K, R1504K.
Identifiers: ClinVar variation 3223569 (VCV003223569.1), dbSNP rs559020901, ClinGen allele CA8873913.

ClinVar aggregate classification (germline): Uncertain significance (1 of 4 stars; one submission).

Allele frequency attached by ClinVar (database versions not stated): gnomAD 0.00005; gnomAD exomes 0.00011; 1000 Genomes Project 0.00020; 1000 Genomes Project 30x 0.00031; ExAC 0.00034.
gnomAD v4.1: 161 of 1,613,738 alleles (0.01%); highest among the groups gnomAD compares: South Asian, 0.17%; 3 homozygotes.

Submission:

Ambry Genetics
Classification: Uncertain significance. Last evaluated: 2024-01-16. Review status: criteria provided, single submitter. Criteria: Ambry Variant Classification Scheme 2023. Collection method: clinical testing. Allele origin: germline.
Comment: The p.R1504K variant (also known as c.4511G>A), located in coding exon 33 of the MYOM1 gene, results from a G to A substitution at nucleotide position 4511. The arginine at codon 1504 is replaced by lysine, an amino acid with highly similar properties. This amino acid position is conserved. In addition, this alteration is predicted to be tolerated by in silico analysis. Since supporting evidence is limited at this time, the clinical significance of this alteration remains unclear.